The following is an entry in ClinVar:

NM_006206.6(PDGFRA):c.3040G>A (p.Ala1014Thr)

Gene: PDGFRA (platelet derived growth factor receptor alpha; plus strand). Cytogenetic location: 4q12.
Variant type: single nucleotide variant.
Coding change: c.3040G>A on transcript NM_006206.6 (MANE Select); coding-DNA position 3040, G replaced by A.
Protein change: p.Ala1014Thr; replaces alanine 1014 with threonine.
Molecular consequence: missense variant.
Genome position (GRCh38, 1-based): chr4:54,290,472, G>A. VCF-style: chr4-54290472-G-A. GRCh37 (hg19) VCF-style: chr4-55156639-G-A.
Other names: c.3115G>A, p.Ala1039Thr (NM_001347828.2); c.3040G>A, p.Ala1014Thr (NM_001347829.2); c.3079G>A, p.Ala1027Thr (NM_001347830.2); c.3040G>A (NM_006206.5); short protein forms A1014T, A1039T, A1027T.
Identifiers: ClinVar variation 459081 (VCV000459081.17), dbSNP rs768291477, ClinGen allele CA2923015.

ClinVar aggregate classification (germline): Conflicting classifications of pathogenicity. Review status: criteria provided, conflicting classifications (1 of 4 stars). 6 submissions from 6 submitters: Uncertain significance (4); Likely benign (2). Last evaluated 2026-06-16.

Conditions:
PDGFRA-related disorder. Also called: PDGFRA-related condition.
Polyps, multiple and recurrent inflammatory fibroid, gastrointestinal. Identifiers: MedGen C5193005, MONDO:0008285, OMIM 175510.
Hereditary cancer-predisposing syndrome. Also called: Tumor predisposition; Hereditary neoplastic syndrome; Neoplastic Syndromes, Hereditary; Hereditary Cancer Syndrome. Identifiers: Orphanet 140162, MedGen C0027672, MeSH D009386, MONDO:0015356.
Gastrointestinal stromal tumor. Also called: Gastrointestinal stromal tumor, somatic; Gastrointestinal stroma tumor. Identifiers: Orphanet 44890, MedGen C0238198, MeSH D046152, MONDO:0011719, OMIM 606764, HP:0100723.

Allele frequency attached by ClinVar (database versions not stated): ExAC 0.00002; gnomAD 0.00002; gnomAD exomes 0.00002; TOPMed 0.00005.
gnomAD v4.1: 39 of 1,613,500 alleles (0.0024%); highest among the groups gnomAD compares: Non-Finnish European, 0.003%; no homozygotes.

Submissions (6):

Myriad Genetics, Inc.
Classification: Likely benign for Polyps, multiple and recurrent inflammatory fibroid, gastrointestinal. Last evaluated: 2026-06-16. Review status: criteria provided, single submitter. Criteria: Myriad Autosomal Dominant, Autosomal Recessive and X-Linked Classification Criteria (2023). Collection method: clinical testing. Allele origin: unknown.
Comment: This variant is considered likely benign. This variant has been observed at a population frequency that is significantly greater than expected given the associated disease prevalence and penetrance.

PreventionGenetics, part of Exact Sciences
Classification: Uncertain significance for PDGFRA-related condition. Last evaluated: 2026-01-24. Review status: criteria provided, single submitter. Criteria: ACMG Guidelines, 2015. Collection method: clinical testing. Allele origin: germline.
Comment: The PDGFRA c.3040G>A variant is predicted to result in the amino acid substitution p.Ala1014Thr. To our knowledge, this variant has not been reported in the literature. This variant is reported in 0.0054% of alleles in individuals of European (Non-Finnish) descent in gnomAD. In ClinVar, this variant has conflicting interpretations of uncertain significance and likely benign (Variation ID: 459081). At this time, the clinical significance of this variant is uncertain due to the absence of conclusive functional and genetic evidence.

Labcorp Genetics (formerly Invitae), Labcorp
Classification: Uncertain significance for Gastrointestinal stromal tumor. Last evaluated: 2026-01-19. Review status: criteria provided, single submitter. Criteria: Invitae Variant Classification Sherloc (09022015). Collection method: clinical testing. Allele origin: germline.
Comment: This sequence change replaces alanine, which is neutral and non-polar, with threonine, which is neutral and polar, at codon 1014 of the PDGFRA protein (p.Ala1014Thr). This variant is present in population databases (rs768291477, gnomAD 0.005%). This variant has not been reported in the literature in individuals affected with PDGFRA-related conditions. ClinVar contains an entry for this variant (Variation ID: 459081). Invitae Evidence Modeling of protein sequence and biophysical properties (such as structural, functional, and spatial information, amino acid conservation, physicochemical variation, residue mobility, and thermodynamic stability) indicates that this missense variant is not expected to disrupt PDGFRA protein function with a negative predictive value of 80%. In summary, the available evidence is currently insufficient to determine the role of this variant in disease. Therefore, it has been classified as a Variant of Uncertain Significance.

Baylor Genetics
Classification: Uncertain significance for Polyps, multiple and recurrent inflammatory fibroid, gastrointestinal. Last evaluated: 2024-03-11. Review status: criteria provided, single submitter. Criteria: ACMG Guidelines, 2015. Collection method: clinical testing. Allele origin: unknown.

GeneDx
Classification: Uncertain significance. Last evaluated: 2023-04-05. Review status: criteria provided, single submitter. Criteria: GeneDx Variant Classification Process June 2021. Collection method: clinical testing. Allele origin: germline. Affected: yes.
Comment: In silico analysis supports that this missense variant does not alter protein structure/function; Has not been previously published as pathogenic or benign to our knowledge

Ambry Genetics
Classification: Likely benign for Hereditary cancer-predisposing syndrome. Last evaluated: 2022-09-28. Review status: criteria provided, single submitter. Criteria: Ambry Variant Classification Scheme 2023. Collection method: clinical testing. Allele origin: germline.